The following is an entry in ClinVar:

NM_000051.4(ATM):c.4486G>A (p.Asp1496Asn)

Gene: ATM (ATM serine/threonine kinase; plus strand). Cytogenetic location: 11q22.3.
Variant type: single nucleotide variant.
Coding change: c.4486G>A on transcript NM_000051.4 (MANE Select); coding-DNA position 4486, G replaced by A.
Protein change: p.Asp1496Asn; replaces aspartic acid 1496 with asparagine.
Molecular consequence: missense variant.
Genome position (GRCh38, 1-based): chr11:108,292,668, G>A. VCF-style: chr11-108292668-G-A. GRCh37 (hg19) VCF-style: chr11-108163395-G-A.
Other names: c.4486G>A, p.Asp1496Asn (NM_001351834.2); short protein forms D1496N.
Identifiers: ClinVar variation 3608279 (VCV003608279.2).
Genomic context (GRCh38, chr11:108,292,668, plus strand): 5'-CCCTATATTAGGCCTTCTTGTATCATGGATGTGTCATTACGTAGCTTCTCCCTTTGTTGT[G>A]ACTTATTAAGTCAGGTTTGCCAGACAGCCGTGACTTACTGTAAGGATGCTCTAGAAAACC-3'
Protein context (NP_000042.3, residues 1486-1506): VSLRSFSLCC[Asp1496Asn]LLSQVCQTAV

ClinVar aggregate classification (germline): Uncertain significance (1 of 4 stars; one submission).

Conditions:
Ataxia-telangiectasia syndrome (AT). Also called: Ataxia-telangiectasia, complementation group D; AT, COMPLEMENTATION GROUP C; Ataxia-telangiectasia; Ataxia telangiectasia (A-T); Cerebello-oculocutaneous telangiectasia; Immunodeficiency with ataxia telangiectasia. Identifiers: Orphanet 100, MedGen C0004135, MONDO:0008840, OMIM 208900.

Submission:

Labcorp Genetics (formerly Invitae), Labcorp
Classification: Uncertain significance for Ataxia-telangiectasia syndrome. Last evaluated: 2024-10-16. Review status: criteria provided, single submitter. Criteria: Invitae Variant Classification Sherloc (09022015). Collection method: clinical testing. Allele origin: germline.
Comment: This sequence change replaces aspartic acid, which is acidic and polar, with asparagine, which is neutral and polar, at codon 1496 of the ATM protein (p.Asp1496Asn). This variant is not present in population databases (gnomAD no frequency). This variant has not been reported in the literature in individuals affected with ATM-related conditions. Invitae Evidence Modeling of protein sequence and biophysical properties (such as structural, functional, and spatial information, amino acid conservation, physicochemical variation, residue mobility, and thermodynamic stability) indicates that this missense variant is not expected to disrupt ATM protein function with a negative predictive value of 95%. In summary, the available evidence is currently insufficient to determine the role of this variant in disease. Therefore, it has been classified as a Variant of Uncertain Significance.